The following is an entry in ClinVar:

NM_177438.3(DICER1):c.2152G>A (p.Glu718Lys)

Gene: DICER1 (dicer 1, ribonuclease III; minus strand). Cytogenetic location: 14q32.13.
Variant type: single nucleotide variant.
Coding change: c.2152G>A on transcript NM_177438.3 (MANE Select); coding-DNA position 2152, G replaced by A.
Protein change: p.Glu718Lys; replaces glutamic acid 718 with lysine.
Molecular consequence: missense variant. On other transcripts: non-coding transcript variant (6).
Genome position (GRCh38, 1-based): chr14:95,111,421, C>T on the plus strand (G>A on the coding strand, the complement: DICER1 is on the minus strand). VCF-style: chr14-95111421-C-T. GRCh37 (hg19) VCF-style: chr14-95577758-C-T.
Other names: c.2152G>A, p.Glu718Lys (NM_001195573.1, NM_001271282.3, NM_001291628.2 and 12 more transcripts); c.1870G>A, p.Glu624Lys (NM_001395686.1); c.1747G>A, p.Glu583Lys (NM_001395687.1, NM_001395688.1, NM_001395689.1 and 3 more transcripts); c.1585G>A, p.Glu529Lys (NM_001395691.1); c.469G>A, p.Glu157Lys (NM_001395697.1); short protein forms E718K, E529K, E583K, E157K, E624K.
Identifiers: ClinVar variation 3720166 (VCV003720166.2).

ClinVar aggregate classification (germline): Uncertain significance (1 of 4 stars; one submission).

Conditions:
DICER1-related tumor predisposition. Also called: DICER1 syndrome; DICER1-related pleuropulmonary blastoma cancer predisposition syndrome. Identifiers: Orphanet 284343, MedGen C3839822, MONDO:0100216.

Submission:

Labcorp Genetics (formerly Invitae), Labcorp
Classification: Uncertain significance for DICER1-related tumor predisposition. Last evaluated: 2024-11-27. Review status: criteria provided, single submitter. Criteria: Invitae Variant Classification Sherloc (09022015). Collection method: clinical testing. Allele origin: germline.
Comment: This sequence change replaces glutamic acid, which is acidic and polar, with lysine, which is basic and polar, at codon 718 of the DICER1 protein (p.Glu718Lys). This variant is not present in population databases (gnomAD no frequency). This variant has not been reported in the literature in individuals affected with DICER1-related conditions. Invitae Evidence Modeling of protein sequence and biophysical properties (such as structural, functional, and spatial information, amino acid conservation, physicochemical variation, residue mobility, and thermodynamic stability) indicates that this missense variant is not expected to disrupt DICER1 protein function with a negative predictive value of 95%. In summary, the available evidence is currently insufficient to determine the role of this variant in disease. Therefore, it has been classified as a Variant of Uncertain Significance.